The following is an entry in ClinVar:

ClinVar aggregate classification (germline): Uncertain significance. Review status: criteria provided, multiple submitters, no conflicts (2 of 4 stars). 2 submissions from 2 submitters: Uncertain significance (2). Last evaluated 2024-04-27.

Conditions:
Brugada syndrome. Also called: Sudden Unexplained Death Syndrome; Sudden unexpected nocturnal death syndrome; Sudden unexplained nocturnal death syndrome; Sudden Unexplained Nocturnal Death Syndrome (SUNDS). Identifiers: Orphanet 130, MedGen C1142166, MONDO:0015263.

Allele frequency attached by ClinVar (database versions not stated): TOPMed below 0.00001; ExAC 0.00001; gnomAD 0.00001; gnomAD exomes 0.00001 and 0.00002.
gnomAD v4.1: 22 of 1,594,430 alleles (0.0014%); highest among the groups gnomAD compares: Non-Finnish European, 0.0019%; no homozygotes.

Submissions (2):

Ambry Genetics
Classification: Uncertain significance. Last evaluated: 2024-04-27. Review status: criteria provided, single submitter. Criteria: Ambry Variant Classification Scheme 2023. Collection method: clinical testing. Allele origin: germline.
Comment: The p.T370S variant (also known as c.1109C>G), located in coding exon 10 of the SLMAP gene, results from a C to G substitution at nucleotide position 1109. The threonine at codon 370 is replaced by serine, an amino acid with similar properties. This amino acid position is conserved. In addition, this alteration is predicted to be tolerated by in silico analysis. Based on the available evidence, the clinical significance of this variant remains unclear.

Labcorp Genetics (formerly Invitae), Labcorp
Classification: Uncertain significance for Brugada syndrome. Last evaluated: 2023-08-28. Review status: criteria provided, single submitter. Criteria: Invitae Variant Classification Sherloc (09022015). Collection method: clinical testing. Allele origin: germline.
Comment: In summary, the available evidence is currently insufficient to determine the role of this variant in disease. Therefore, it has been classified as a Variant of Uncertain Significance. An algorithm developed to predict the effect of missense changes on protein structure and function (PolyPhen-2) suggests that this variant is likely to be tolerated. ClinVar contains an entry for this variant (Variation ID: 1412019). This variant has not been reported in the literature in individuals affected with SLMAP-related conditions. This variant is present in population databases (rs766605023, gnomAD 0.003%). This sequence change replaces threonine, which is neutral and polar, with serine, which is neutral and polar, at codon 370 of the SLMAP protein (p.Thr370Ser).

NM_001377540.1(SLMAP):c.1109C>G (p.Thr370Ser)

Gene: SLMAP (sarcolemma associated protein; plus strand). Cytogenetic location: 3p14.3.
Variant type: single nucleotide variant.
Coding change: c.1109C>G on transcript NM_001377540.1 (MANE Select); coding-DNA position 1109, C replaced by G.
Protein change: p.Thr370Ser; replaces threonine 370 with serine.
Molecular consequence: missense variant. On other transcripts: non-coding transcript variant (1).
Genome position (GRCh38, 1-based): chr3:57,864,690, C>G. VCF-style: chr3-57864690-C-G. GRCh37 (hg19) VCF-style: chr3-57850417-C-G.
Other names: c.1109C>G (NM_007159.2); c.1109C>G, p.Thr370Ser (NM_001304420.3, NM_001304421.2, NM_001377538.1 and 17 more transcripts); short protein forms T370S.
Identifiers: ClinVar variation 1412019 (VCV001412019.8), dbSNP rs766605023, ClinGen allele CA2467002.